The following is an entry in ClinVar:

NM_002230.4(JUP):c.708-3del

Gene: JUP (junction plakoglobin; minus strand). Cytogenetic location: 17q21.2.
Variant type: Deletion.
Coding change: c.708-3del on transcript NM_002230.4 (MANE Select); 3 bases into the intron before coding-DNA position 708, one base deleted (C; older notation c.708-3delC).
Molecular consequence: intron variant.
Genome position (GRCh38, 1-based): chr17:41,767,583, G deleted on the plus strand (C on the coding strand, the reverse complement: JUP is on the minus strand); the first of 7 consecutive G bases (chr17:41,767,583-41,767,589); deleting any one gives the same sequence. VCF-style (leftmost placement, unchanged base first): chr17-41767582-TG-T. GRCh37 (hg19) VCF-style: chr17-39923834-TG-T.
Other names: c.708-3del (NM_001352774.2, NM_021991.4, NM_001352776.2 and 3 more transcripts).
Identifiers: ClinVar variation 3041914 (VCV003041914.2), dbSNP rs782230165, ClinGen allele CA8565391.

ClinVar aggregate classification (germline): Likely benign (0 of 4 stars; one submission).

Conditions:
JUP-related disorder. Also called: JUP-related condition.

Submission:

PreventionGenetics, part of Exact Sciences
Classification: Likely benign for JUP-related condition. Last evaluated: 2019-09-25. Review status: no assertion criteria provided. Collection method: clinical testing. Allele origin: germline.
Comment: This variant is classified as likely benign based on ACMG/AMP sequence variant interpretation guidelines (Richards et al. 2015 PMID: 25741868, with internal and published modifications).